The following is an entry in ClinVar:

NM_024408.4(NOTCH2):c.5592C>T (p.Tyr1864=)

Gene: NOTCH2 (notch receptor 2; minus strand). Cytogenetic location: 1p12.
Variant type: single nucleotide variant.
Coding change: c.5592C>T on transcript NM_024408.4 (MANE Select); coding-DNA position 5592, C replaced by T.
Protein change: p.Tyr1864=; no amino-acid change (tyrosine 1864 retained).
Molecular consequence: synonymous variant.
Genome position (GRCh38, 1-based): chr1:119,919,501, G>A on the plus strand (C>T on the coding strand, the complement: NOTCH2 is on the minus strand). VCF-style: chr1-119919501-G-A. GRCh37 (hg19) VCF-style: chr1-120462124-G-A.
Other names: c.5592C>T (NM_024408.3).
Identifiers: ClinVar variation 1608956 (VCV001608956.9), dbSNP rs770289962, ClinGen allele CA1039596.

ClinVar aggregate classification (germline): Likely benign. Review status: criteria provided, multiple submitters, no conflicts (2 of 4 stars). 2 submissions from 2 submitters: Likely benign (2). Last evaluated 2026-06-02.

Conditions:
NOTCH2-related disorder. Also called: NOTCH2-related condition.
Hajdu-Cheney syndrome (HJCYS). Also called: SERPENTINE FIBULA-POLYCYSTIC KIDNEY SYNDROME; Acroosteolysis dominant type; ACROOSTEOLYSIS WITH OSTEOPOROSIS AND CHANGES IN SKULL AND MANDIBLE. Identifiers: Orphanet 955, MedGen C0917715, MONDO:0007057, OMIM 102500.

Allele frequency attached by ClinVar (database versions not stated): gnomAD exomes 0.00001 and 0.00002; ExAC 0.00003.
gnomAD v4.1: 9 of 1,613,908 alleles (0.00056%); highest among the groups gnomAD compares: Admixed American, 0.0067%; no homozygotes.

Submissions (2):

PreventionGenetics, part of Exact Sciences
Classification: Likely benign for NOTCH2-related condition. Last evaluated: 2026-06-02. Review status: criteria provided, single submitter. Criteria: ACMG Guidelines, 2015. Collection method: clinical testing. Allele origin: germline.
Comment: This variant is classified as likely benign based on ACMG/AMP sequence variant interpretation guidelines (Richards et al. 2015 PMID: 25741868, with internal and published modifications).

Labcorp Genetics (formerly Invitae), Labcorp
Classification: Likely benign for Hajdu-Cheney syndrome. Last evaluated: 2024-04-25. Review status: criteria provided, single submitter. Criteria: Invitae Variant Classification Sherloc (09022015). Collection method: clinical testing. Allele origin: germline.